The following is an entry in ClinVar:

ClinVar aggregate classification (germline): Pathogenic (1 of 4 stars; one submission).

Conditions:
Pterin-4 alpha-carbinolamine dehydratase 1 deficiency. Also called: CADH DEFICIENCY; HYPERPHENYLALANINEMIA WITH PRIMAPTERINURIA; HYPERPHENYLALANINEMIA, TETRAHYDROBIOPTERIN-DEFICIENT, DUE TO PTERIN-4-ALPHA-CARBINOLAMINE DEHYDRATASE DEFICIENCY; Hyperphenylalaninemia due to dehydratase deficiency. Identifiers: Orphanet 1578, Orphanet 238583, MedGen C1849700, MONDO:0009908, OMIM 264070.

Submission:

Labcorp Genetics (formerly Invitae), Labcorp
Classification: Pathogenic for Pterin-4 alpha-carbinolamine dehydratase 1 deficiency. Last evaluated: 2023-07-28. Review status: criteria provided, single submitter. Criteria: Invitae Variant Classification Sherloc (09022015). Collection method: clinical testing. Allele origin: unknown.
Comment: For these reasons, this variant has been classified as Pathogenic. This variant disrupts a region of the PCBD1 protein in which other variant(s) (p.Gln98*) have been determined to be pathogenic (PMID: 24204001). This suggests that this is a clinically significant region of the protein, and that variants that disrupt it are likely to be disease-causing. This variant has not been reported in the literature in individuals affected with PCBD1-related conditions. This variant is a gross deletion of the genomic region encompassing exon(s) 3-4 of the PCBD1 gene, which includes the termination codon. This deletion extends beyond the assayed region for this gene and therefore may encompass additional genes. While this deletion is not anticipated to lead to nonsense mediated decay, it is expected to alter mRNA translation or result in a truncated protein product.

Literature cited by the submitters: PubMed 24204001.

NC_000010.10:g.(?_72643707)_(72645009_?)del

Gene: PCBD1 (pterin-4 alpha-carbinolamine dehydratase 1; minus strand). Cytogenetic location: 10q22.1.
Variant type: Deletion.
Identifiers: ClinVar variation 3244843 (VCV003244843.1).